The following is an entry in ClinVar:

ClinVar aggregate classification (germline): Pathogenic (1 of 4 stars; one submission).

Conditions:
Urinary bladder, atony of. Also called: Bladder Dysfunction with Impaired Pupillary Reflex and Secondary Congenital Anomalies of the Kidney and Urinary Tract. Identifiers: MedGen C5231389, MONDO:0008630, OMIM 191800.

Submission:

Foundation for Research in Genetics and Endocrinology, FRIGE's Institute of Human Genetics
Classification: Pathogenic for Urinary bladder, atony of. Review status: criteria provided, single submitter. Criteria: ACMG Guidelines, 2015. Collection method: clinical testing. Allele origin: germline. Inheritance: X-linked recessive inheritance. Affected: yes. Observed: 1 heterozygote.
Comment: A heterozygous two base pair deletion in exon 5 of the CHRNA3 gene that results in a frameshift and premature truncation of the protein 11 amino acids downstream to codon 173 was detected. This variant has not been reported in the 1000 genomes and gnomAD databases. The in silico predictions of the variant is damaging by MutationTaster2. The reference codon is conserved across species. The reference codon is conserved across species. In summary, the variant meets our criteria to be classified as pathogenic.

NM_000743.5(CHRNA3):c.518_519del (p.Cys173fs)

Gene: CHRNA3 (cholinergic receptor nicotinic alpha 3 subunit; minus strand). Cytogenetic location: 15q25.1.
Variant type: Deletion.
Coding change: c.518_519del on transcript NM_000743.5 (MANE Select); coding-DNA positions 518 to 519, 2 bases deleted (GT; older notation c.518_519delGT).
Protein change: p.Cys173fs; shifts the reading frame from cysteine 173.
Molecular consequence: frameshift variant. On other transcripts: non-coding transcript variant (1).
Genome position (GRCh38, 1-based): chr15:78,602,123-78,602,124, AC deleted on the plus strand (GT on the coding strand, the reverse complement: CHRNA3 is on the minus strand); deleting any 2 consecutive bases within chr15:78,602,123-78,602,125 gives the same sequence; the c. name uses the placement nearest the transcript's 3' end. VCF-style (leftmost placement, unchanged base first): chr15-78602122-TAC-T. GRCh37 (hg19) VCF-style: chr15-78894464-TAC-T.
Other names: p.Cys173TyrfsTer11; c.518_519del, p.Cys173fs (NM_001166694.2); short protein forms C173fs.
Identifiers: ClinVar variation 1801723 (VCV001801723.3), dbSNP rs2542813635, ClinGen allele CA2580090048.